The following is an entry in ClinVar:

ClinVar aggregate classification (germline): Benign/Likely benign. Review status: criteria provided, multiple submitters, no conflicts (2 of 4 stars). 3 submissions from 3 submitters: Benign (2); Likely benign (1). Last evaluated 2025-12-29.

Conditions:
Hereditary angioedema type 1 (HAE1). Identifiers: Orphanet 100050, Orphanet 100051, Orphanet 91378, MedGen C2717906, MONDO:0015053, OMIM 106100.

Allele frequency attached by ClinVar (database versions not stated): gnomAD below 0.00001 and 0.00017; TOPMed 0.00002; ExAC 0.00062; 1000 Genomes Project 30x 0.00078; 1000 Genomes Project 0.00080.
gnomAD v4.1: 405 of 1,614,094 alleles (0.025%); highest among the groups gnomAD compares: South Asian, 0.42%; 3 homozygotes.

Submissions (3):

Labcorp Genetics (formerly Invitae), Labcorp
Classification: Benign. Last evaluated: 2025-12-29. Review status: criteria provided, single submitter. Criteria: Invitae Variant Classification Sherloc (09022015). Collection method: clinical testing. Allele origin: germline.

Blueprint Genetics
Classification: Likely benign. Last evaluated: 2023-10-19. Review status: criteria provided, single submitter. Criteria: ACMG Guidelines, 2015. Collection method: clinical testing. Allele origin: germline.

Illumina Laboratory Services, Illumina
Classification: Benign for Hereditary angioedema type 1. Last evaluated: 2018-01-13. Review status: criteria provided, single submitter. Criteria: ICSL Variant Classification Criteria 13 December 2019. Collection method: clinical testing. Allele origin: germline.
Comment: This variant was observed in the ICSL laboratory as part of a predisposition screen in an ostensibly healthy population. It had not been previously curated by ICSL or reported in the Human Gene Mutation Database (HGMD: prior to June 1st, 2018), and was therefore a candidate for classification through an automated scoring system. Utilizing variant allele frequency, disease prevalence and penetrance estimates, and inheritance mode, an automated score was calculated to assess if this variant is too frequent to cause the disease. Based on the score and internal cut-off values, a variant classified as benign is not then subjected to further curation. The score for this variant resulted in a classification of benign for this disease.

NM_000062.3(SERPING1):c.1029+5G>T

Gene: SERPING1 (serpin family G member 1; plus strand). Cytogenetic location: 11q12.1.
Variant type: single nucleotide variant.
Coding change: c.1029+5G>T on transcript NM_000062.3 (MANE Select); 5 bases into the intron after coding-DNA position 1029, G replaced by T.
Molecular consequence: intron variant.
Genome position (GRCh38, 1-based): chr11:57,606,552, G>T. VCF-style: chr11-57606552-G-T. GRCh37 (hg19) VCF-style: chr11-57374025-G-T.
Other names: c.1029+5G>T (NM_001032295.2).
Identifiers: ClinVar variation 877132 (VCV000877132.12), dbSNP rs575103656, ClinGen allele CA6008179.